The following is an entry in ClinVar:

NM_001018115.3(FANCD2):c.704T>C (p.Leu235Pro)

Genes: FANCD2 (FA complementation group D2; plus strand), LOC107303338 (3p25 FANCD2 Alu-mediated recombination region; plus strand). Cytogenetic location: 3p25.3.
Variant type: single nucleotide variant.
Coding change: c.704T>C on transcript NM_001018115.3 (MANE Select); coding-DNA position 704, T replaced by C.
Protein change: p.Leu235Pro; replaces leucine 235 with proline.
Molecular consequence: missense variant.
Genome position (GRCh38, 1-based): chr3:10,041,631, T>C. VCF-style: chr3-10041631-T-C. GRCh37 (hg19) VCF-style: chr3-10083315-T-C.
Other names: c.704T>C, p.Leu235Pro (NM_001319984.2, NM_001374253.1, NM_001374254.1 and 1 more transcripts); c.704T>C (NM_033084.4); short protein forms L235P.
Identifiers: ClinVar variation 651859 (VCV000651859.7), dbSNP rs760574880, ClinGen allele CA2249333.

ClinVar aggregate classification (germline): Uncertain significance. Review status: criteria provided, multiple submitters, no conflicts (2 of 4 stars). 2 submissions from 2 submitters: Uncertain significance (2). Last evaluated 2024-06-08.

Conditions:
Fanconi anemia (FA). Also called: Fanconi's anemia. Identifiers: Orphanet 84, MedGen C0015625, MeSH D005199, MONDO:0019391.
Fanconi anemia complementation group D2. Also called: FANCD2-Related Fanconi Anemia; FANCONI PANCYTOPENIA, TYPE 4; FANCONI ANEMIA, COMPLEMENTATION GROUP D. Identifiers: Orphanet 84, MedGen C3160738, MONDO:0009214, OMIM 227646.

Allele frequency attached by ClinVar (database versions not stated): gnomAD 0.00001; gnomAD exomes 0.00001; TOPMed 0.00001; ExAC 0.00002.
gnomAD v4.1: 1 of 1,612,446 alleles (0.000062%); highest among the groups gnomAD compares: East Asian, 0.0022%; no homozygotes.

Submissions (2):

Fulgent Genetics
Classification: Uncertain significance for Fanconi anemia complementation group D2. Last evaluated: 2024-06-08. Review status: criteria provided, single submitter. Criteria: ACMG Guidelines, 2015. Collection method: clinical testing. Allele origin: germline.

Labcorp Genetics (formerly Invitae), Labcorp
Classification: Uncertain significance for Fanconi anemia. Last evaluated: 2022-07-20. Review status: criteria provided, single submitter. Criteria: Invitae Variant Classification Sherloc (09022015). Collection method: clinical testing. Allele origin: germline.
Comment: This sequence change replaces leucine, which is neutral and non-polar, with proline, which is neutral and non-polar, at codon 235 of the FANCD2 protein (p.Leu235Pro). This variant is present in population databases (rs760574880, gnomAD 0.02%). This variant has not been reported in the literature in individuals affected with FANCD2-related conditions. ClinVar contains an entry for this variant (Variation ID: 651859). Algorithms developed to predict the effect of missense changes on protein structure and function are either unavailable or do not agree on the potential impact of this missense change (SIFT: "Tolerated"; PolyPhen-2: "Probably Damaging"; Align-GVGD: "Class C0"). In summary, the available evidence is currently insufficient to determine the role of this variant in disease. Therefore, it has been classified as a Variant of Uncertain Significance.